The following is an entry in ClinVar:

ClinVar aggregate classification (germline): Uncertain significance. Review status: criteria provided, multiple submitters, no conflicts (2 of 4 stars). 3 submissions from 3 submitters: Uncertain significance (3). Last evaluated 2025-01-21.

Conditions:
Inborn genetic diseases. Identifiers: MedGen C0950123, MeSH D030342.

Allele frequency attached by ClinVar (database versions not stated): ExAC 0.00003; gnomAD exomes 0.00003; gnomAD 0.00006 and 0.00007; TOPMed 0.00008; ESP Exome Variant Server 0.00015.
gnomAD v4.1: 167 of 1,578,318 alleles (0.011%); highest among the groups gnomAD compares: Non-Finnish European, 0.013%; no homozygotes.

Submissions (3):

Ambry Genetics
Classification: Uncertain significance for Inborn genetic diseases. Last evaluated: 2025-01-21. Review status: criteria provided, single submitter. Criteria: Ambry Variant Classification Scheme 2023. Collection method: clinical testing. Allele origin: germline.

Labcorp Genetics (formerly Invitae), Labcorp
Classification: Uncertain significance. Last evaluated: 2022-08-07. Review status: criteria provided, single submitter. Criteria: Invitae Variant Classification Sherloc (09022015). Collection method: clinical testing. Allele origin: germline.
Comment: This sequence change replaces alanine, which is neutral and non-polar, with glutamic acid, which is acidic and polar, at codon 422 of the TBCK protein (p.Ala422Glu). This variant is present in population databases (rs147556914, gnomAD 0.005%). This variant has not been reported in the literature in individuals affected with TBCK-related conditions. ClinVar contains an entry for this variant (Variation ID: 932578). Algorithms developed to predict the effect of missense changes on protein structure and function are either unavailable or do not agree on the potential impact of this missense change (SIFT: "Deleterious"; PolyPhen-2: "Benign"; Align-GVGD: "Class C0"). In summary, the available evidence is currently insufficient to determine the role of this variant in disease. Therefore, it has been classified as a Variant of Uncertain Significance.

CeGaT Center for Human Genetics Tuebingen
Classification: Uncertain significance. Last evaluated: 2020-06-01. Review status: criteria provided, single submitter. Criteria: CeGaT Center For Human Genetics Tuebingen Variant Classification Criteria Version 2. Collection method: clinical testing. Allele origin: germline. Affected: yes. Observed: 1 variant allele.

NM_001163435.3(TBCK):c.1265C>A (p.Ala422Glu)

Gene: TBCK (TBC1 domain containing kinase; minus strand). Cytogenetic location: 4q24.
Variant type: single nucleotide variant.
Coding change: c.1265C>A on transcript NM_001163435.3 (MANE Select); coding-DNA position 1265, C replaced by A.
Protein change: p.Ala422Glu; replaces alanine 422 with glutamic acid.
Molecular consequence: missense variant.
Genome position (GRCh38, 1-based): chr4:106,236,475, G>T on the plus strand (C>A on the coding strand, the complement: TBCK is on the minus strand). VCF-style: chr4-106236475-G-T. GRCh37 (hg19) VCF-style: chr4-107157632-G-T.
Other names: c.1265C>A, p.Ala422Glu (NM_001163436.4); c.1148C>A, p.Ala383Glu (NM_001163437.3); c.749C>A, p.Ala250Glu (NM_001290768.2); c.1076C>A, p.Ala359Glu (NM_033115.5); c.1265C>A (NM_001163435.1); short protein forms A250E, A383E, A422E, A359E.
Identifiers: ClinVar variation 932578 (VCV000932578.42), dbSNP rs147556914, ClinGen allele CA3035122.